The following is an entry in ClinVar:

NM_000264.5(PTCH1):c.3345T>C (p.Ala1115=)

Gene: PTCH1 (patched 1; minus strand). Cytogenetic location: 9q22.32.
Variant type: single nucleotide variant.
Coding change: c.3345T>C on transcript NM_000264.5 (MANE Select); coding-DNA position 3345, T replaced by C.
Protein change: p.Ala1115=; no amino-acid change (alanine 1115 retained).
Molecular consequence: synonymous variant. On other transcripts: non-coding transcript variant (1).
Genome position (GRCh38, 1-based): chr9:95,453,582, A>G on the plus strand (T>C on the coding strand, the complement: PTCH1 is on the minus strand). VCF-style: chr9-95453582-A-G. GRCh37 (hg19) VCF-style: chr9-98215864-A-G.
Other names: c.3147T>C, p.Ala1049= (NM_001083602.3); c.3342T>C, p.Ala1114= (NM_001083603.3); c.2892T>C, p.Ala964= (NM_001083604.3, NM_001083605.3, NM_001083606.3 and 1 more transcripts); c.3189T>C, p.Ala1063= (NM_001354918.2).
Identifiers: ClinVar variation 3572024 (VCV003572024.1).

ClinVar aggregate classification (germline): Uncertain significance (1 of 4 stars; one submission).

Submission:

Quest Diagnostics Nichols Institute San Juan Capistrano
Classification: Uncertain significance. Last evaluated: 2024-09-02. Review status: criteria provided, single submitter. Criteria: Quest Diagnostics criteria. Collection method: clinical testing. Allele origin: unknown.
Comment: The PTCH1 c.3345T>C (p.Ala1115=) synonymous variant has not been reported in individuals with PTCH1-related conditions in the published literature. It also has not been reported in large, multi-ethnic general populations (Genome Aggregation Database). Analysis of this variant using software algorithms for the prediction of the effect of nucleotide changes on splicing yielded predictions that this variant does not affect PTCH1 mRNA splicing. Based on the available information, we are unable to determine the clinical significance of this variant.